The following is an entry in ClinVar:

NM_000718.4(CACNA1B):c.6122G>A (p.Arg2041His)

Gene: CACNA1B (calcium voltage-gated channel subunit alpha1 B; plus strand). Cytogenetic location: 9q34.3.
Variant type: single nucleotide variant.
Coding change: c.6122G>A on transcript NM_000718.4 (MANE Select); coding-DNA position 6122, G replaced by A.
Protein change: p.Arg2041His; replaces arginine 2041 with histidine.
Molecular consequence: missense variant.
Genome position (GRCh38, 1-based): chr9:138,120,256, G>A. VCF-style: chr9-138120256-G-A. GRCh37 (hg19) VCF-style: chr9-141014708-G-A.
Other names: c.6122G>A, p.Arg2041His (NM_001243812.2); short protein forms R2041H.
Identifiers: ClinVar variation 2177593 (VCV002177593.26), dbSNP rs201543308, ClinGen allele CA5377612.
Genomic context (GRCh38, chr9:138,120,256, plus strand): 5'-CCATCTCCACGCTGGCCCAGCGGCCCCGTGGGACTCATCTTTGCAGCACCACCCCGGACC[G>A]CCCACCCCCTAGCCAGGCGTCGTCGCACCACCACCACCACCGCTGCCACCGCCGCAGGGA-3'
Protein context (NP_000709.1, residues 2031-2051): GTHLCSTTPD[Arg2041His]PPPSQASSHH

ClinVar aggregate classification (germline): Conflicting classifications of pathogenicity. Review status: criteria provided, conflicting classifications (1 of 4 stars). 3 submissions from 3 submitters: Uncertain significance (2); Likely benign (1). Last evaluated 2023-09-01.

Conditions:
Neurodevelopmental disorder with seizures and nonepileptic hyperkinetic movements. Identifiers: MedGen C5193128, MONDO:0032784, OMIM 618497.

Allele frequency attached by ClinVar (database versions not stated): TOPMed below 0.00001; ExAC 0.00002; gnomAD 0.00002.
gnomAD v4.1: 30 of 1,601,258 alleles (0.0019%); highest among the groups gnomAD compares: South Asian, 0.021%; no homozygotes.

Submissions (3):

CeGaT Center for Human Genetics Tuebingen
Classification: Likely benign. Last evaluated: 2023-09-01. Review status: criteria provided, single submitter. Criteria: CeGaT Center For Human Genetics Tuebingen Variant Classification Criteria Version 2. Collection method: clinical testing. Allele origin: germline. Affected: yes. Observed: 1 variant allele.
Comment: CACNA1B: BS2

Labcorp Genetics (formerly Invitae), Labcorp
Classification: Uncertain significance. Last evaluated: 2022-05-17. Review status: criteria provided, single submitter. Criteria: Invitae Variant Classification Sherloc (09022015). Collection method: clinical testing. Allele origin: germline.
Comment: This sequence change replaces arginine, which is basic and polar, with histidine, which is basic and polar, at codon 2041 of the CACNA1B protein (p.Arg2041His). The frequency data for this variant in the population databases is considered unreliable, as metrics indicate poor data quality at this position in the gnomAD database. This variant has not been reported in the literature in individuals affected with CACNA1B-related conditions. Advanced modeling of protein sequence and biophysical properties (such as structural, functional, and spatial information, amino acid conservation, physicochemical variation, residue mobility, and thermodynamic stability) performed at Invitae indicates that this missense variant is not expected to disrupt CACNA1B protein function. In summary, the available evidence is currently insufficient to determine the role of this variant in disease. Therefore, it has been classified as a Variant of Uncertain Significance.

Juno Genomics, Hangzhou Juno Genomics, Inc
Classification: Uncertain significance for Neurodevelopmental disorder with seizures and nonepileptic hyperkinetic movements. Review status: criteria provided, single submitter. Criteria: ACMG Guidelines, 2015. Collection method: clinical testing. Allele origin: germline.
Comment: Absent from controls (or at extremely low frequency if recessive) in Genome Aggregation Database.;Missense variant in a gene that has a low rate of benign missense variation.